The following is an entry in ClinVar:

NM_006950.3(SYN1):c.1439C>T (p.Pro480Leu)

Gene: SYN1 (synapsin I; minus strand). Cytogenetic location: Xp11.3.
Variant type: single nucleotide variant.
Coding change: c.1439C>T on transcript NM_006950.3 (MANE Select); coding-DNA position 1439, C replaced by T.
Protein change: p.Pro480Leu; replaces proline 480 with leucine.
Molecular consequence: missense variant.
Genome position (GRCh38, 1-based): chrX:47,574,545, G>A on the plus strand (C>T on the coding strand, the complement: SYN1 is on the minus strand). VCF-style: chrX-47574545-G-A. GRCh37 (hg19) VCF-style: chrX-47433944-G-A.
Other names: c.1439C>T, p.Pro480Leu (NM_133499.2); short protein forms P480L.
Identifiers: ClinVar variation 2965766 (VCV002965766.3), dbSNP rs2519685114, ClinGen allele CA412824009.

ClinVar aggregate classification (germline): Uncertain significance (1 of 4 stars; one submission).

Conditions:
Epilepsy, X-linked 1, with variable learning disabilities and behavior disorders. Also called: X-linked epilepsy-learning disabilities-behavior disorders syndrome. Identifiers: Orphanet 85294, MedGen C5774177, MONDO:0010339, OMIM 300491.

Submission:

Labcorp Genetics (formerly Invitae), Labcorp
Classification: Uncertain significance for Epilepsy, X-linked 1, with variable learning disabilities and behavior disorders. Last evaluated: 2023-05-17. Review status: criteria provided, single submitter. Criteria: Invitae Variant Classification Sherloc (09022015). Collection method: clinical testing. Allele origin: germline.
Comment: This variant is not present in population databases (gnomAD no frequency). In summary, the available evidence is currently insufficient to determine the role of this variant in disease. Therefore, it has been classified as a Variant of Uncertain Significance. Algorithms developed to predict the effect of missense changes on protein structure and function output the following: SIFT: "Not Available"; PolyPhen-2: "Not Available"; Align-GVGD: "Not Available". The leucine amino acid residue is found in multiple mammalian species, which suggests that this missense change does not adversely affect protein function. This variant has not been reported in the literature in individuals affected with SYN1-related conditions. This sequence change replaces proline, which is neutral and non-polar, with leucine, which is neutral and non-polar, at codon 480 of the SYN1 protein (p.Pro480Leu).